The following is an entry in ClinVar:

NM_017951.5(SMPD4):c.1710C>T (p.Ser570=)

Gene: SMPD4 (sphingomyelin phosphodiesterase 4; minus strand). Cytogenetic location: 2q21.1.
Variant type: single nucleotide variant.
Coding change: c.1710C>T on transcript NM_017951.5 (MANE Select); coding-DNA position 1710, C replaced by T.
Protein change: p.Ser570=; no amino-acid change (serine 570 retained).
Molecular consequence: synonymous variant. On other transcripts: non-coding transcript variant (2).
Genome position (GRCh38, 1-based): chr2:130,153,885, G>A on the plus strand (C>T on the coding strand, the complement: SMPD4 is on the minus strand). VCF-style: chr2-130153885-G-A. GRCh37 (hg19) VCF-style: chr2-130911458-G-A.
Other names: c.1521C>T, p.Ser507= (NM_001171083.2); c.1740C>T, p.Ser580= (NM_017751.4).
Identifiers: ClinVar variation 3341589 (VCV003341589.16).
Genomic context (GRCh38, chr2:130,153,885, plus strand): 5'-AAAGCCCAGCCATGAGAGGAAGGAGTGGCCAGCCGGGCTCTCCGCACACTGGTCGGAGAT[G>A]GACTTGGCTGTGTGTTTGGCCTGTGTGATGAGCTGAGCGAGGCGCAGGACCTGCAAGGGA-3'
Protein context (NP_060421.3, residues 560-580): LITQAKHTAK[Ser570=]ISDQCAESPA

ClinVar aggregate classification (germline): Likely benign (1 of 4 stars; one submission).

gnomAD v4.1: 880 of 1,613,886 alleles (0.055%); highest among the groups gnomAD compares: African/African-American, 0.95%; 3 homozygotes.

Submission:

CeGaT Center for Human Genetics Tuebingen
Classification: Likely benign. Last evaluated: 2024-08-01. Review status: criteria provided, single submitter. Criteria: CeGaT Center For Human Genetics Tuebingen Variant Classification Criteria Version 2. Collection method: clinical testing. Allele origin: germline. Affected: yes. Observed: 1 variant allele.
Comment: SMPD4: BP4, BP7